The following is an entry in ClinVar:

NM_014974.3(DIP2C):c.2208_2209del (p.Ala737fs)

Gene: DIP2C (disco interacting protein 2 homolog C; minus strand). Cytogenetic location: 10p15.3.
Variant type: Microsatellite.
Coding change: c.2208_2209del on transcript NM_014974.3 (MANE Select); coding-DNA positions 2208 to 2209, 2 bases deleted (TG; older notation c.2208_2209delTG).
Protein change: p.Ala737fs; shifts the reading frame from alanine 737.
Molecular consequence: frameshift variant.
Genome position (GRCh38, 1-based): chr10:366,334-366,335, CA deleted on the plus strand (TG on the coding strand, the reverse complement: DIP2C is on the minus strand); deleting any 2 consecutive bases within chr10:366,334-366,345 gives the same sequence; the c. name uses the placement nearest the transcript's 3' end. VCF-style (leftmost placement, unchanged base first): chr10-366333-GCA-G. GRCh37 (hg19) VCF-style: chr10-412273-GCA-G.
Other names: short protein forms A737fs.
Identifiers: ClinVar variation 4082560 (VCV004082560.1).
Genomic context (GRCh38, chr10:366,333, plus strand): 5'-ACCTCAAAGGTGTTCTTGGTCATGCCAGAGAGGCCATAGTAGGACGTGCCCGTCGCAACT[GCA>G]CACACACACAGCTCCCCGATCTCATCCGTTCTGCACAGCTGAGGAACCCCGTCTGGCTTC-3'

ClinVar aggregate classification (germline): Pathogenic (1 of 4 stars; one submission).

Submission:

GeneDx
Classification: Pathogenic. Last evaluated: 2025-03-11. Review status: criteria provided, single submitter. Criteria: GeneDx Variant Classification Process June 2021. Collection method: clinical testing. Allele origin: germline. Affected: yes.
Comment: Frameshift variant predicted to result in protein truncation or nonsense mediated decay in a gene for which loss of function is a known mechanism of disease; Not observed at significant frequency in large population cohorts (gnomAD); Has not been previously published as pathogenic or benign to our knowledge